The following is an entry in ClinVar:

ClinVar aggregate classification (germline): Uncertain significance (1 of 4 stars; one submission).

Submission:

Labcorp Genetics (formerly Invitae), Labcorp
Classification: Uncertain significance. Last evaluated: 2023-06-16. Review status: criteria provided, single submitter. Criteria: Invitae Variant Classification Sherloc (09022015). Collection method: clinical testing. Allele origin: germline.
Comment: In summary, the available evidence is currently insufficient to determine the role of this variant in disease. Therefore, it has been classified as a Variant of Uncertain Significance. Advanced modeling of protein sequence and biophysical properties (such as structural, functional, and spatial information, amino acid conservation, physicochemical variation, residue mobility, and thermodynamic stability) performed at Invitae indicates that this missense variant is not expected to disrupt SNRNP200 protein function. This variant has not been reported in the literature in individuals affected with SNRNP200-related conditions. This variant is not present in population databases (gnomAD no frequency). This sequence change replaces phenylalanine, which is neutral and non-polar, with isoleucine, which is neutral and non-polar, at codon 317 of the SNRNP200 protein (p.Phe317Ile).

NM_014014.5(SNRNP200):c.949T>A (p.Phe317Ile)

Gene: SNRNP200 (small nuclear ribonucleoprotein U5 subunit 200; minus strand). Cytogenetic location: 2q11.2.
Variant type: single nucleotide variant.
Coding change: c.949T>A on transcript NM_014014.5 (MANE Select); coding-DNA position 949, T replaced by A.
Protein change: p.Phe317Ile; replaces phenylalanine 317 with isoleucine.
Molecular consequence: missense variant.
Genome position (GRCh38, 1-based): chr2:96,298,636, A>T on the plus strand (T>A on the coding strand, the complement: SNRNP200 is on the minus strand). VCF-style: chr2-96298636-A-T. GRCh37 (hg19) VCF-style: chr2-96964374-A-T.
Other names: short protein forms F317I.
Identifiers: ClinVar variation 2880548 (VCV002880548.3), dbSNP rs2063934381, ClinGen allele CA347684643.
Genomic context (GRCh38, chr2:96,298,636, plus strand): 5'-TGCAGGAAGACCCCACCATATACTCACTCATCATCCTGTGCTGCCGCAACACTTTAATGA[A>T]ATCAAAGGTGTTGAAACCAAGCAGCAGAACCAGCTGATTTTCACATTCCCGATCATCACT-3'
Protein context (NP_054733.2, residues 307-327): VLLLGFNTFD[Phe317Ile]IKVLRQHRMM